The following is an entry in ClinVar:

NM_005445.4(SMC3):c.2095A>C (p.Asn699His)

Gene: SMC3 (structural maintenance of chromosomes 3; plus strand). Cytogenetic location: 10q25.2.
Variant type: single nucleotide variant.
Coding change: c.2095A>C on transcript NM_005445.4 (MANE Select); coding-DNA position 2095, A replaced by C.
Protein change: p.Asn699His; replaces asparagine 699 with histidine.
Molecular consequence: missense variant.
Genome position (GRCh38, 1-based): chr10:110,596,529, A>C. VCF-style: chr10-110596529-A-C. GRCh37 (hg19) VCF-style: chr10-112356287-A-C.
Other names: short protein forms N699H.
Identifiers: ClinVar variation 1710794 (VCV001710794.6), dbSNP rs942871036, ClinGen allele CA213244724.

ClinVar aggregate classification (germline): Uncertain significance. Review status: criteria provided, multiple submitters, no conflicts (2 of 4 stars). 3 submissions from 3 submitters: Uncertain significance (2). 1 of the submissions does not count toward it. Last evaluated 2022-04-12.

Conditions:
SMC3-related disorder. Also called: SMC3-related condition.
Inborn genetic diseases. Identifiers: MedGen C0950123, MeSH D030342.

Allele frequency attached by ClinVar (database versions not stated): TOPMed below 0.00001; gnomAD 0.00001.
gnomAD v4.1: 2 of 1,613,966 alleles (0.00012%); highest among the groups gnomAD compares: Admixed American, 0.0017%; no homozygotes.

Submissions (3):

GeneDx
Classification: Uncertain significance. Last evaluated: 2022-04-12. Review status: criteria provided, single submitter. Criteria: GeneDx Variant Classification Process June 2021. Collection method: clinical testing. Allele origin: germline. Affected: yes.
Comment: Not observed at significant frequency in large population cohorts (gnomAD); In silico analysis supports that this missense variant does not alter protein structure/function; Has not been previously published as pathogenic or benign to our knowledge

Ambry Genetics
Classification: Uncertain significance for Inborn genetic diseases. Last evaluated: 2017-06-14. Review status: criteria provided, single submitter. Criteria: Ambry Variant Classification Scheme 2023. Collection method: clinical testing. Allele origin: germline.
Comment: The p.N699H variant (also known as c.2095A>C), located in coding exon 19 of the SMC3 gene, results from an A to C substitution at nucleotide position 2095. The asparagine at codon 699 is replaced by histidine, an amino acid with similar properties. This amino acid position is highly conserved in available vertebrate species. In addition, this alteration is predicted to be tolerated by in silico analysis. Since supporting evidence is limited at this time, the clinical significance of this alteration remains unclear.

PreventionGenetics, part of Exact Sciences
Classification: Uncertain significance for SMC3-related condition. Last evaluated: 2023-11-29. Review status: no assertion criteria provided. Collection method: clinical testing. Allele origin: germline. Not counted in ClinVar's aggregate classification.
Comment: The SMC3 c.2095A>C variant is predicted to result in the amino acid substitution p.Asn699His. To our knowledge, this variant has not been reported in the literature or in a large population database, indicating this variant is rare. At this time, the clinical significance of this variant is uncertain due to the absence of conclusive functional and genetic evidence.